The following is an entry in ClinVar:

ClinVar aggregate classification (germline): Uncertain significance. Review status: criteria provided, multiple submitters, no conflicts (2 of 4 stars). 2 submissions from 2 submitters: Uncertain significance (2). Last evaluated 2024-12-31.

Submissions (2):

Women's Health and Genetics/Laboratory Corporation of America, LabCorp
Classification: Uncertain significance. Last evaluated: 2024-12-31. Review status: criteria provided, single submitter. Criteria: LabCorp Variant Classification Summary - May 2015. Collection method: clinical testing. Allele origin: germline.
Comment: Variant summary: TRIO c.6937G>C (p.Ala2313Pro) results in a non-conservative amino acid change in the encoded protein sequence. Four of five in-silico tools predict a benign effect of the variant on protein function. The frequency data for this variant in gnomAD is considered unreliable, as metrics indicate poor data quality at this position. To our knowledge, no occurrence of c.6937G>C in individuals affected with TRIO-Related Intellectual Disability and no experimental evidence demonstrating its impact on protein function have been reported. ClinVar contains an entry for this variant (Variation ID: 1311459). Based on the evidence outlined above, the variant was classified as uncertain significance.

GeneDx
Classification: Uncertain significance. Last evaluated: 2024-04-08. Review status: criteria provided, single submitter. Criteria: GeneDx Variant Classification Process June 2021. Collection method: clinical testing. Allele origin: germline. Affected: yes.
Comment: Not observed in large population cohorts (gnomAD); In silico analysis, which includes protein predictors and evolutionary conservation, supports that this variant does not alter protein structure/function; Has not been previously published as pathogenic or benign to our knowledge

NM_007118.4(TRIO):c.6937G>C (p.Ala2313Pro)

Gene: TRIO (trio Rho guanine nucleotide exchange factor; plus strand). Cytogenetic location: 5p15.2.
Variant type: single nucleotide variant.
Coding change: c.6937G>C on transcript NM_007118.4 (MANE Select); coding-DNA position 6937, G replaced by C.
Protein change: p.Ala2313Pro; replaces alanine 2313 with proline.
Molecular consequence: missense variant. On other transcripts: non-coding transcript variant (1).
Genome position (GRCh38, 1-based): chr5:14,487,565, G>C. VCF-style: chr5-14487565-G-C. GRCh37 (hg19) VCF-style: chr5-14487674-G-C.
Other names: short protein forms A2313P.
Identifiers: ClinVar variation 1311459 (VCV001311459.4), dbSNP rs2126635053, ClinGen allele CA359236467.